The following is an entry in ClinVar:

NM_001243925.2(MAPKAPK3):c.173T>C (p.Val58Ala)

Gene: MAPKAPK3 (MAPK activated protein kinase 3; plus strand). Cytogenetic location: 3p21.2.
Variant type: single nucleotide variant.
Coding change: c.173T>C on transcript NM_001243925.2 (MANE Select); coding-DNA position 173, T replaced by C.
Protein change: p.Val58Ala; replaces valine 58 with alanine.
Molecular consequence: missense variant.
Genome position (GRCh38, 1-based): chr3:50,617,738, T>C. VCF-style: chr3-50617738-T-C. GRCh37 (hg19) VCF-style: chr3-50655169-T-C.
Other names: c.173T>C, p.Val58Ala (NM_001243926.2, NM_004635.5); short protein forms V58A.
Identifiers: ClinVar variation 1915485 (VCV001915485.5), dbSNP rs2032508951, ClinGen allele CA352961622.

ClinVar aggregate classification (germline): Uncertain significance (1 of 4 stars; one submission).

Allele frequency attached by ClinVar (database versions not stated): TOPMed below 0.00001; gnomAD 0.00001.
gnomAD v4.1: 1 of 1,613,482 alleles (0.000062%); highest among the groups gnomAD compares: Non-Finnish European, 0.000085%; no homozygotes.

Submission:

Labcorp Genetics (formerly Invitae), Labcorp
Classification: Uncertain significance. Last evaluated: 2022-07-26. Review status: criteria provided, single submitter. Criteria: Invitae Variant Classification Sherloc (09022015). Collection method: clinical testing. Allele origin: germline.
Comment: In summary, the available evidence is currently insufficient to determine the role of this variant in disease. Therefore, it has been classified as a Variant of Uncertain Significance. Algorithms developed to predict the effect of missense changes on protein structure and function (SIFT, PolyPhen-2, Align-GVGD) all suggest that this variant is likely to be disruptive. This variant has not been reported in the literature in individuals affected with MAPKAPK3-related conditions. This variant is not present in population databases (gnomAD no frequency). This sequence change replaces valine, which is neutral and non-polar, with alanine, which is neutral and non-polar, at codon 58 of the MAPKAPK3 protein (p.Val58Ala).